The following is an entry in ClinVar:

ClinVar aggregate classification (germline): Uncertain significance (1 of 4 stars; one submission).

Conditions:
Brugada syndrome 7 (BRGDA7). Identifiers: Orphanet 130, MedGen C2751088, MONDO:0013146, OMIM 613120.

Allele frequency attached by ClinVar (database versions not stated): gnomAD exomes below 0.00001; ExAC 0.00001; gnomAD 0.00001; TOPMed 0.00001.
gnomAD v4.1: 2 of 1,613,750 alleles (0.00012%); highest among the groups gnomAD compares: Admixed American, 0.0033%; no homozygotes.

Submission:

Labcorp Genetics (formerly Invitae), Labcorp
Classification: Uncertain significance for Brugada syndrome 7. Last evaluated: 2018-03-15. Review status: criteria provided, single submitter. Criteria: Invitae Variant Classification Sherloc (09022015). Collection method: clinical testing. Allele origin: germline.
Comment: This variant has not been reported in the literature in individuals with SCN3B-related disease. This variant is present in population databases (rs750969469, ExAC 0.009%). This sequence change replaces valine with glycine at codon 211 of the SCN3B protein (p.Val211Gly). The valine residue is highly conserved and there is a moderate physicochemical difference between valine and glycine. In summary, the available evidence is currently insufficient to determine the role of this variant in disease. Therefore, it has been classified as a Variant of Uncertain Significance. Algorithms developed to predict the effect of missense changes on protein structure and function (SIFT, PolyPhen-2, Align-GVGD) all suggest that this variant is likely to be tolerated, but these predictions have not been confirmed by published functional studies and their clinical significance is uncertain.

NM_001040151.2(SCN3B):c.632T>G (p.Val211Gly)

Gene: SCN3B (sodium voltage-gated channel beta subunit 3; minus strand). Cytogenetic location: 11q24.1.
Variant type: single nucleotide variant.
Coding change: c.632T>G on transcript NM_001040151.2 (MANE Select); coding-DNA position 632, T replaced by G.
Protein change: p.Val211Gly; replaces valine 211 with glycine.
Molecular consequence: missense variant.
Genome position (GRCh38, 1-based): chr11:123,634,159, A>C on the plus strand (T>G on the coding strand, the complement: SCN3B is on the minus strand). VCF-style: chr11-123634159-A-C. GRCh37 (hg19) VCF-style: chr11-123504867-A-C.
Other names: c.632T>G, p.Val211Gly (NM_018400.4); short protein forms V211G.
Identifiers: ClinVar variation 574131 (VCV000574131.9), dbSNP rs750969469, ClinGen allele CA6333962.
Genomic context (GRCh38, chr11:123,634,159, plus strand): 5'-CTCCCATGTTCCTGTAGGTCACCTCATGTCACACTGCTCCTGTTCTATTCCTCCACTGGT[A>C]CCGCAGAGTTCTCCTTGTTCTCAGATGGGATGGCAAGGTAGTCAGACCTATAGAGGACAC-3'
Protein context (NP_001035241.1, residues 201-215): IPSENKENSA[Val211Gly]PVEE